The following is an entry in ClinVar:

NM_152381.6(XIRP2):c.8308C>T (p.His2770Tyr)

Gene: XIRP2 (xin actin binding repeat containing 2; plus strand). Cytogenetic location: 2q24.3.
Variant type: single nucleotide variant.
Coding change: c.8308C>T on transcript NM_152381.6 (MANE Select); coding-DNA position 8308, C replaced by T.
Protein change: p.His2770Tyr; replaces histidine 2770 with tyrosine.
Molecular consequence: missense variant. On other transcripts: intron variant (3).
Genome position (GRCh38, 1-based): chr2:167,249,700, C>T. VCF-style: chr2-167249700-C-T. GRCh37 (hg19) VCF-style: chr2-168106210-C-T.
Other names: c.7642C>T, p.His2548Tyr (NM_001199144.2); c.1276-4332C>T (NM_001199143.2); c.1177-4332C>T (NM_001079810.4); c.511-4332C>T (NM_001199145.2); c.8308C>T (NM_152381.5); short protein forms H2548Y, H2770Y.
Identifiers: ClinVar variation 788960 (VCV000788960.5), dbSNP rs16853329, ClinGen allele CA1947796.
Genomic context (GRCh38, chr2:167,249,700, plus strand): 5'-AAAACCAAGAAAACTGAAGCAAGCACTGAATGTAGTCATAAGCAATCTCTGGCTGAAAGA[C>T]ATTATCAGTTACCTAAGAAGGAGAAAAGAGTGACAGTACAATTGCCTACAGAATCCATAC-3'
Protein context (NP_689594.4, residues 2760-2780): CSHKQSLAER[His2770Tyr]YQLPKKEKRV

ClinVar aggregate classification (germline): Benign. Review status: criteria provided, single submitter (1 of 4 stars). 2 submissions from 2 submitters: Benign (1). 1 of the submissions does not count toward it. Last evaluated 2018-09-14.

Conditions:
XIRP2-related disorder. Also called: XIRP2-related condition.

Allele frequency attached by ClinVar (database versions not stated): gnomAD exomes 0.00053 and 0.00126; ExAC 0.00149; ESP Exome Variant Server 0.00402; gnomAD 0.00532 and 0.00571; 1000 Genomes Project 30x 0.00578; 1000 Genomes Project 0.00639; TOPMed 0.00639.
gnomAD v4.1: 1,636 of 1,613,412 alleles (0.1%); highest among the groups gnomAD compares: African/African-American, 1.8%; 15 homozygotes.

Submissions (2):

Labcorp Genetics (formerly Invitae), Labcorp
Classification: Benign. Last evaluated: 2018-09-14. Review status: criteria provided, single submitter. Criteria: Invitae Variant Classification Sherloc (09022015). Collection method: clinical testing. Allele origin: germline.

PreventionGenetics, part of Exact Sciences
Classification: Benign for XIRP2-related condition. Last evaluated: 2019-10-28. Review status: no assertion criteria provided. Collection method: clinical testing. Allele origin: germline. Not counted in ClinVar's aggregate classification.
Comment: This variant is classified as benign based on ACMG/AMP sequence variant interpretation guidelines (Richards et al. 2015 PMID: 25741868, with internal and published modifications).